The following is an entry in ClinVar:

NM_001163678.2(SHOX2):c.537G>T (p.Leu179=)

Gene: SHOX2 (SHOX homeobox 2; minus strand). Cytogenetic location: 3q25.32.
Variant type: single nucleotide variant.
Coding change: c.537G>T on transcript NM_001163678.2 (MANE Select); coding-DNA position 537, G replaced by T.
Protein change: p.Leu179=; no amino-acid change (leucine 179 retained).
Molecular consequence: synonymous variant.
Genome position (GRCh38, 1-based): chr3:158,102,696, C>A on the plus strand (G>T on the coding strand, the complement: SHOX2 is on the minus strand). VCF-style: chr3-158102696-C-A. GRCh37 (hg19) VCF-style: chr3-157820485-C-A.
Other names: c.609G>T, p.Leu203= (NM_003030.4); c.537G>T, p.Leu179= (NM_006884.3).
Identifiers: ClinVar variation 3058527 (VCV003058527.2), dbSNP rs756844905, ClinGen allele CA2681295.
Genomic context (GRCh38, chr3:158,102,696, plus strand): 5'-CTCTCTGCTCCCTGGGCCCTCGACCTCCTGGCAGCTGGGTACCTGCACTCGGGCCTCCGA[C>A]AGGCCCAGTCGCTGGCTCAGTTCCTCTCGCATGAAGGCGTCGGGATAGTGGGTCTCGTCA-3'
Protein context (NP_001157150.1, residues 169-189): MREELSQRLG[Leu179=]SEARVQVWFQ

ClinVar aggregate classification (germline): Likely benign (0 of 4 stars; one submission).

Conditions:
SHOX2-related disorder. Also called: SHOX2-related condition.

Allele frequency attached by ClinVar (database versions not stated): ExAC 0.00001; gnomAD 0.00001; TOPMed 0.00001.
gnomAD v4.1: 3 of 1,614,020 alleles (0.00019%); highest among the groups gnomAD compares: Non-Finnish European, 0.00025%; no homozygotes.

Submission:

PreventionGenetics, part of Exact Sciences
Classification: Likely benign for SHOX2-related condition. Last evaluated: 2019-04-01. Review status: no assertion criteria provided. Collection method: clinical testing. Allele origin: germline.
Comment: This variant is classified as likely benign based on ACMG/AMP sequence variant interpretation guidelines (Richards et al. 2015 PMID: 25741868, with internal and published modifications).